The following is an entry in ClinVar:

ClinVar aggregate classification (germline): Uncertain significance (1 of 4 stars; one submission).

Submission:

GeneDx
Classification: Uncertain significance. Last evaluated: 2024-10-14. Review status: criteria provided, single submitter. Criteria: GeneDx Variant Classification Process June 2021. Collection method: clinical testing. Allele origin: germline. Affected: yes.
Comment: Not observed at significant frequency in large population cohorts (gnomAD); In silico analysis supports that this missense variant has a deleterious effect on protein structure/function; Has not been previously published as pathogenic or benign to our knowledge

NM_001347721.2(DYRK1A):c.938T>C (p.Ile313Thr)

Gene: DYRK1A (dual specificity tyrosine phosphorylation regulated kinase 1A; plus strand). Cytogenetic location: 21q22.13.
Variant type: single nucleotide variant.
Coding change: c.938T>C on transcript NM_001347721.2 (MANE Select); coding-DNA position 938, T replaced by C.
Protein change: p.Ile313Thr; replaces isoleucine 313 with threonine.
Molecular consequence: missense variant.
Genome position (GRCh38, 1-based): chr21:37,493,030, T>C. VCF-style: chr21-37493030-T-C. GRCh37 (hg19) VCF-style: chr21-38865332-T-C.
Other names: c.938T>C, p.Ile313Thr (NM_001347722.2, NM_130436.2); c.851T>C, p.Ile284Thr (NM_001347723.2); c.965T>C, p.Ile322Thr (NM_001396.5, NM_101395.2, NM_130438.2); short protein forms I284T, I313T, I322T.
Identifiers: ClinVar variation 3777631 (VCV003777631.1).